The following is an entry in ClinVar:

ClinVar aggregate classification (germline): Pathogenic (1 of 4 stars; one submission).

Conditions:
Bardet-Biedl syndrome (BBS). Identifiers: Orphanet 110, MedGen C0752166, MONDO:0015229.

Submission:

Labcorp Genetics (formerly Invitae), Labcorp
Classification: Pathogenic for Bardet-Biedl syndrome. Last evaluated: 2021-12-18. Review status: criteria provided, single submitter. Criteria: Invitae Variant Classification Sherloc (09022015). Collection method: clinical testing. Allele origin: germline.
Comment: Algorithms developed to predict the effect of sequence changes on RNA splicing suggest that this variant may disrupt the consensus splice site. This sequence change affects a donor splice site in intron 10 of the BBS1 gene. It is expected to disrupt RNA splicing. Variants that disrupt the donor or acceptor splice site typically lead to a loss of protein function (PMID: 16199547), and loss-of-function variants in BBS1 are known to be pathogenic (PMID: 12118255). This variant is not present in population databases (gnomAD no frequency). Disruption of this splice site has been observed in individual(s) with Bardet-Biedl syndrome (PMID: 21344540). For these reasons, this variant has been classified as Pathogenic.

Literature cited by the submitters: PubMed 16199547; PubMed 12118255; PubMed 21344540.

NM_024649.5(BBS1):c.951+2T>A

Genes: BBS1 (Bardet-Biedl syndrome 1; plus strand), ZDHHC24 (zDHHC palmitoyltransferase 24; minus strand). Cytogenetic location: 11q13.2.
Variant type: single nucleotide variant.
Coding change: c.951+2T>A on transcript NM_024649.5 (MANE Select); the canonical splice donor site of the intron after coding-DNA position 951, T replaced by A.
Molecular consequence: splice donor variant. On other transcripts: intron variant (1).
Genome position (GRCh38, 1-based): chr11:66,523,578, T>A. VCF-style: chr11-66523578-T-A. GRCh37 (hg19) VCF-style: chr11-66291049-T-A.
Other names: c.*22-2112A>T (NM_001348571.2).
Identifiers: ClinVar variation 2045817 (VCV002045817.4), dbSNP rs1590766771, ClinGen allele CA381461901.
Genomic context (GRCh38, chr11:66,523,578, plus strand): 5'-TACACAAGGTCCTAGTGGTGGGCAGCACCCAAGACAGCCTGCATGGCTTCACCCACAAGG[T>A]GCAGCCCCCAGCAAGCAGCAGCCCCTCCACGCCTATGTCCCTAGCCCCCACTTGGCAAGA-3'